The following is an entry in ClinVar:

ClinVar aggregate classification (germline): Benign. Review status: criteria provided, multiple submitters, no conflicts (2 of 4 stars). 3 submissions from 3 submitters: Benign (2). 1 of the submissions does not count toward it. Last evaluated 2019-12-31.

Conditions:
DNHD1-related disorder. Also called: DNHD1-related condition.

Allele frequency attached by ClinVar (database versions not stated): 1000 Genomes Project 30x 0.00031; 1000 Genomes Project 0.00040; gnomAD 0.00050 and 0.00053; TOPMed 0.00058; gnomAD exomes 0.00074 and 0.00082; ExAC 0.00161.
gnomAD v4.1: 1,118 of 1,551,812 alleles (0.072%); highest among the groups gnomAD compares: Middle Eastern, 0.2%; no homozygotes.

Submissions (3):

Labcorp Genetics (formerly Invitae), Labcorp
Classification: Benign. Last evaluated: 2019-12-31. Review status: criteria provided, single submitter. Criteria: Invitae Variant Classification Sherloc (09022015). Collection method: clinical testing. Allele origin: germline.

Breakthrough Genomics
Classification: Benign. Review status: criteria provided, single submitter. Criteria: ACMG Guidelines, 2015. Collection method: not provided. Allele origin: germline. Inheritance: Autosomal recessive inheritance. Affected: yes.

PreventionGenetics, part of Exact Sciences
Classification: Likely benign for DNHD1-related condition. Last evaluated: 2019-08-08. Review status: no assertion criteria provided. Collection method: clinical testing. Allele origin: germline. Not counted in ClinVar's aggregate classification.
Comment: This variant is classified as likely benign based on ACMG/AMP sequence variant interpretation guidelines (Richards et al. 2015 PMID: 25741868, with internal and published modifications).

NM_144666.3(DNHD1):c.5904C>T (p.Ser1968=)

Gene: DNHD1 (dynein heavy chain domain 1; plus strand). Cytogenetic location: 11p15.4.
Variant type: single nucleotide variant.
Coding change: c.5904C>T on transcript NM_144666.3 (MANE Select); coding-DNA position 5904, C replaced by T.
Protein change: p.Ser1968=; no amino-acid change (serine 1968 retained).
Molecular consequence: synonymous variant.
Genome position (GRCh38, 1-based): chr11:6,546,843, C>T. VCF-style: chr11-6546843-C-T. GRCh37 (hg19) VCF-style: chr11-6568073-C-T.
Identifiers: ClinVar variation 728699 (VCV000728699.7), dbSNP rs149659254, ClinGen allele CA5856091.
Genomic context (GRCh38, chr11:6,546,843, plus strand): 5'-TTACAAGCTGATGAAGCCATTGGTGGTGGAGGAACTGCAACAGGTAGGTCTGGATCCCAG[C>T]CCTGACATTTTGGGGTCCTTGGAACAGTTGAGCCAGGCCCTGAGCCGGGCCTCAGGCATT-3'
Protein context (NP_653267.2, residues 1958-1978): EELQQVGLDP[Ser1968=]PDILGSLEQL